The following is an entry in ClinVar:

ClinVar aggregate classification (germline): Uncertain significance. Review status: criteria provided, multiple submitters, no conflicts (2 of 4 stars). 3 submissions from 3 submitters: Uncertain significance (2). 1 of the submissions does not count toward it. Last evaluated 2024-11-13.

Conditions:
Zellweger spectrum disorders (ZS). Also called: Zellweger Spectrum Disorder (ZSD); Zellweger Spectrum Disorder; Zellweger Spectrum; Zellweger syndrome. Identifiers: Orphanet 912, MedGen C0043459, MONDO:0019609.
Peroxisome biogenesis disorder. Identifiers: Orphanet 79189, MedGen C1832200, MONDO:0019234. Disease mechanism: loss of function.

Allele frequency attached by ClinVar (database versions not stated): gnomAD 0.00001; gnomAD exomes 0.00002 and 0.00003; TOPMed 0.00002; ExAC 0.00003.

Submissions (3):

Blueprint Genetics
Classification: Uncertain significance. Last evaluated: 2024-11-13. Review status: criteria provided, single submitter. Criteria: ACMG Guidelines, 2015. Collection method: clinical testing. Allele origin: germline.

Labcorp Genetics (formerly Invitae), Labcorp
Classification: Uncertain significance for Peroxisome biogenesis disorder. Last evaluated: 2022-05-17. Review status: criteria provided, single submitter. Criteria: Invitae Variant Classification Sherloc (09022015). Collection method: clinical testing. Allele origin: germline.
Comment: This sequence change replaces serine, which is neutral and polar, with glycine, which is neutral and non-polar, at codon 838 of the PEX6 protein (p.Ser838Gly). This variant is present in population databases (rs759682469, gnomAD 0.006%). This variant has not been reported in the literature in individuals affected with PEX6-related conditions. ClinVar contains an entry for this variant (Variation ID: 1042100). Algorithms developed to predict the effect of missense changes on protein structure and function (SIFT, PolyPhen-2, Align-GVGD) all suggest that this variant is likely to be tolerated. In summary, the available evidence is currently insufficient to determine the role of this variant in disease. Therefore, it has been classified as a Variant of Uncertain Significance.

Natera, Inc.
Classification: Uncertain significance for Zellweger syndrome. Last evaluated: 2020-12-03. Review status: no assertion criteria provided. Collection method: clinical testing. Allele origin: germline. Not counted in ClinVar's aggregate classification.

NM_000287.4(PEX6):c.2512A>G (p.Ser838Gly)

Gene: PEX6 (peroxisomal biogenesis factor 6; minus strand). Cytogenetic location: 6p21.1.
Variant type: single nucleotide variant.
Coding change: c.2512A>G on transcript NM_000287.4 (MANE Select); coding-DNA position 2512, A replaced by G.
Protein change: p.Ser838Gly; replaces serine 838 with glycine.
Molecular consequence: missense variant. On other transcripts: non-coding transcript variant (1).
Genome position (GRCh38, 1-based): chr6:42,965,328, T>C on the plus strand (A>G on the coding strand, the complement: PEX6 is on the minus strand). VCF-style: chr6-42965328-T-C. GRCh37 (hg19) VCF-style: chr6-42933066-T-C.
Other names: c.2248A>G, p.Ser750Gly (NM_001316313.2); short protein forms S838G, S750G.
Identifiers: ClinVar variation 1042100 (VCV001042100.4), dbSNP rs759682469, ClinGen allele CA3810998.